The following is an entry in ClinVar:

NM_001271.4(CHD2):c.4492C>T (p.Gln1498Ter)

Gene: CHD2 (chromodomain helicase DNA binding protein 2; plus strand). Cytogenetic location: 15q26.1.
Variant type: single nucleotide variant.
Coding change: c.4492C>T on transcript NM_001271.4 (MANE Select); coding-DNA position 4492, C replaced by T.
Protein change: p.Gln1498Ter; replaces glutamine 1498 with a stop codon.
Molecular consequence: nonsense.
Genome position (GRCh38, 1-based): chr15:93,009,223, C>T. VCF-style: chr15-93009223-C-T. GRCh37 (hg19) VCF-style: chr15-93552453-C-T.
Other names: short protein forms Q1498*.
Identifiers: ClinVar variation 2035080 (VCV002035080.5), dbSNP rs2505617458, ClinGen allele CA393904510.

ClinVar aggregate classification (germline): Pathogenic/Likely pathogenic. Review status: criteria provided, multiple submitters, no conflicts (2 of 4 stars). 2 submissions from 2 submitters: Pathogenic (1); Likely pathogenic (1). Last evaluated 2024-02-16.

Conditions:
Developmental and epileptic encephalopathy 94 (DEE94). Also called: CHD2-Related Neurodevelopmental Disorders; Epileptic encephalopathy, childhood-onset. Identifiers: Orphanet 1942, Orphanet 2382, MedGen C3809278, MONDO:0014150, OMIM 615369.

Submissions (2):

Pittsburgh Clinical Genomics Laboratory, University of Pittsburgh Medical Center
Classification: Likely pathogenic for Developmental and epileptic encephalopathy 94. Last evaluated: 2024-02-16. Review status: criteria provided, single submitter. Criteria: ACMG Guidelines, 2015. Collection method: clinical testing. Allele origin: germline. Inheritance: Autosomal dominant inheritance. Affected: yes.
Comment: This sequence variant is a single nucleotide substitution (C>T) at coding position 4492 of the CHD2 gene that changes Gln1498 to an early termination codon. As it occurs in exon 35 of 39, this variant is predicted to generate a non-functional allele through either the expression of a truncated protein or a loss of chromodomain helicase DNA binding protein 2 expression due to nonsense mediated decay. This is a previously reported variant (ClinVar 2035080) that has not been observed in individuals affected by CHD2-related disorders, to our knowledge. This variant is absent from the gnomAD population database (0/~628000 alleles). Haploinsufficiency in CHD2 is a known mechanism of disease (PMID: 23708187, 23020937, 24207121). Based upon the evidence, we consider this variant to be likely pathogenic. ACMG Criteria: PM2, PVS1

Labcorp Genetics (formerly Invitae), Labcorp
Classification: Pathogenic for Developmental and epileptic encephalopathy 94. Last evaluated: 2022-10-10. Review status: criteria provided, single submitter. Criteria: Invitae Variant Classification Sherloc (09022015). Collection method: clinical testing. Allele origin: germline.
Comment: This sequence change creates a premature translational stop signal (p.Gln1498*) in the CHD2 gene. It is expected to result in an absent or disrupted protein product. Loss-of-function variants in CHD2 are known to be pathogenic (PMID: 23708187, 24207121). This variant is not present in population databases (gnomAD no frequency). This variant has not been reported in the literature in individuals affected with CHD2-related conditions. For these reasons, this variant has been classified as Pathogenic.

Literature cited by the submitters: PubMed 24207121 (cited by Pittsburgh Clinical Genomics Laboratory, University of Pittsburgh Medical Center and Labcorp Genetics (formerly Invitae), Labcorp); PubMed 23020937 (cited by Pittsburgh Clinical Genomics Laboratory, University of Pittsburgh Medical Center); PubMed 23708187 (cited by Pittsburgh Clinical Genomics Laboratory, University of Pittsburgh Medical Center and Labcorp Genetics (formerly Invitae), Labcorp).